The following is an entry in ClinVar:

NM_000548.5(TSC2):c.654C>T (p.Ser218=)

Gene: TSC2 (TSC complex subunit 2; plus strand). Cytogenetic location: 16p13.3.
Variant type: single nucleotide variant.
Coding change: c.654C>T on transcript NM_000548.5 (MANE Select); coding-DNA position 654, C replaced by T.
Protein change: p.Ser218=; no amino-acid change (serine 218 retained).
Molecular consequence: synonymous variant.
Genome position (GRCh38, 1-based): chr16:2,056,649, C>T. VCF-style: chr16-2056649-C-T. GRCh37 (hg19) VCF-style: chr16-2106650-C-T.
Other names: c.654C>T, p.Ser218= (NM_001077183.3, NM_001114382.3, NM_001363528.2 and 3 more transcripts); c.543C>T, p.Ser181= (NM_001318827.2); c.507C>T, p.Ser169= (NM_001318829.2); c.54C>T, p.Ser18= (NM_001318831.2); c.687C>T, p.Ser229= (NM_001318832.2).
Identifiers: ClinVar variation 826476 (VCV000826476.5), dbSNP rs1353074849, ClinGen allele CA492956911.
Genomic context (GRCh38, chr16:2,056,649, plus strand): 5'-TCCTGTGGGGAGGAGCTGGGGTAGGACGGGCGTGAGCCGTCTCCCTCTCCACCAGGTCTC[C>T]CTGCAGGTGCTGGACGCCGTGGTCTGCTACAACTGCCTGCCGGCTGAGAGCCTCCCGCTG-3'
Protein context (NP_000539.2, residues 208-228): RTASSVDIEV[Ser218=]LQVLDAVVCY

ClinVar aggregate classification (germline): Benign/Likely benign. Review status: criteria provided, multiple submitters, no conflicts (2 of 4 stars). 2 submissions from 2 submitters: Benign (1); Likely benign (1). Last evaluated 2025-05-08.

Conditions:
Hereditary cancer-predisposing syndrome. Also called: Neoplastic Syndromes, Hereditary; Hereditary Cancer Syndrome; Hereditary neoplastic syndrome; Tumor predisposition. Identifiers: Orphanet 140162, MedGen C0027672, MeSH D009386, MONDO:0015356.
Tuberous sclerosis 2 (TSC2). Identifiers: Orphanet 805, MedGen C1860707, MONDO:0013199, OMIM 613254.

Submissions (2):

Myriad Genetics, Inc.
Classification: Benign for Tuberous sclerosis 2. Last evaluated: 2025-05-08. Review status: criteria provided, single submitter. Criteria: Myriad Autosomal Dominant, Autosomal Recessive and X-Linked Classification Criteria (2023). Collection method: clinical testing. Allele origin: unknown.
Comment: This variant is considered benign. This variant is a silent/synonymous amino acid change, and it is not expected to impact splicing.

Ambry Genetics
Classification: Likely benign for Hereditary cancer-predisposing syndrome. Last evaluated: 2018-11-02. Review status: criteria provided, single submitter. Criteria: Ambry Variant Classification Scheme 2023. Collection method: clinical testing. Allele origin: germline.